The following is an entry in ClinVar:

ClinVar aggregate classification (germline): Uncertain significance (1 of 4 stars; one submission).

Conditions:
ANXA11-related disorder. Also called: ANXA11-related condition.

gnomAD v4.1: 28 of 1,614,158 alleles (0.0017%); highest among the groups gnomAD compares: Non-Finnish European, 0.0023%; no homozygotes.

Submission:

PreventionGenetics, part of Exact Sciences
Classification: Uncertain significance for ANXA11-related condition. Last evaluated: 2024-12-30. Review status: criteria provided, single submitter. Criteria: ACMG Guidelines, 2015. Collection method: clinical testing. Allele origin: germline.
Comment: The ANXA11 c.1222A>G variant is predicted to result in the amino acid substitution p.Lys408Glu. To our knowledge, this variant has not been reported in the literature. This variant is reported in 0.00088% of alleles in individuals of European (non-Finnish) descent in gnomAD. At this time, the clinical significance of this variant is uncertain due to the absence of conclusive functional and genetic evidence.

NM_145868.2(ANXA11):c.1222A>G (p.Lys408Glu)

Genes: ANXA11 (annexin A11; minus strand), LOC126860977 (CDK7 strongly-dependent group 2 enhancer GRCh37_chr10:81917938-81919137; plus strand). Cytogenetic location: 10q22.3.
Variant type: single nucleotide variant.
Coding change: c.1222A>G on transcript NM_145868.2 (MANE Select); coding-DNA position 1222, A replaced by G.
Protein change: p.Lys408Glu; replaces lysine 408 with glutamic acid.
Molecular consequence: missense variant.
Genome position (GRCh38, 1-based): chr10:80,159,154, T>C on the plus strand (A>G on the coding strand, the complement: ANXA11 is on the minus strand). VCF-style: chr10-80159154-T-C. GRCh37 (hg19) VCF-style: chr10-81918910-T-C.
Other names: c.1222A>G, p.Lys408Glu (NM_001157.3, NM_001278407.2, NM_001278408.2 and 1 more transcripts); c.1123A>G, p.Lys375Glu (NM_001278409.2); short protein forms K375E, K408E.
Identifiers: ClinVar variation 4997717 (VCV004997717.1).